The following is an entry in ClinVar:

ClinVar aggregate classification (germline): Pathogenic (1 of 4 stars; one submission).

Conditions:
Autosomal recessive limb-girdle muscular dystrophy type 2F (LGMDR6). Also called: Muscular dystrophy limb-girdle with delta-sarcoglyan deficiency; MUSCULAR DYSTROPHY, LIMB-GIRDLE, AUTOSOMAL RECESSIVE 6. Identifiers: Orphanet 219, MedGen C1832525, MONDO:0011028, OMIM 601287. Disease mechanism: Affects gamma-sarcoglycan and also disrupts the integrity of the entire sarcoglycan complex..

Submission:

Labcorp Genetics (formerly Invitae), Labcorp
Classification: Pathogenic for Autosomal recessive limb-girdle muscular dystrophy type 2F. Last evaluated: 2024-02-15. Review status: criteria provided, single submitter. Criteria: Invitae Variant Classification Sherloc (09022015). Collection method: clinical testing. Allele origin: germline.
Comment: This sequence change creates a premature translational stop signal (p.Gln87Thrfs*14) in the SGCD gene. It is expected to result in an absent or disrupted protein product. Loss-of-function variants in SGCD are known to be pathogenic (PMID: 8841194, 10735275, 10838250). This variant is not present in population databases (gnomAD no frequency). This variant has not been reported in the literature in individuals affected with SGCD-related conditions. For these reasons, this variant has been classified as Pathogenic.

Literature cited by the submitters: PubMed 8841194; PubMed 10735275; PubMed 10838250.

NM_000337.6(SGCD):c.258dup (p.Gln87fs)

Gene: SGCD (sarcoglycan delta; plus strand). Cytogenetic location: 5q33.3.
Variant type: Duplication.
Coding change: c.258dup on transcript NM_000337.6 (MANE Select); coding-DNA position 258, one base duplicated (A; older notation c.258dupA).
Protein change: p.Gln87fs; shifts the reading frame from glutamine 87.
Molecular consequence: frameshift variant.
Genome position (GRCh38, 1-based): chr5:156,508,666, A duplicated. VCF-style (leftmost placement, unchanged base first): chr5-156508665-T-TA. GRCh37 (hg19) VCF-style: chr5-155935675-T-TA.
Other names: c.255dup, p.Gln86fs (NM_001128209.2); c.258dup, p.Gln87fs (NM_172244.3); short protein forms Q87fs, Q86fs.
Identifiers: ClinVar variation 3641138 (VCV003641138.2).